The following is an entry in ClinVar:

ClinVar aggregate classification (germline): Uncertain significance (1 of 4 stars; one submission).

Conditions:
Cardiomyopathy (CMYO). Also called: Cardiomyopathies. Identifiers: Orphanet 167848, MedGen C0878544, MONDO:0004994, HP:0001638. Inheritance: Various modes of inheritance.

Allele frequency attached by ClinVar (database versions not stated): gnomAD exomes below 0.00001.
gnomAD v4.1: 6 of 1,608,222 alleles (0.00037%); highest among the groups gnomAD compares: South Asian, 0.0044%; no homozygotes.

Submission:

All of Us Research Program, National Institutes of Health
Classification: Uncertain significance for Cardiomyopathy. Last evaluated: 2023-02-24. Review status: criteria provided, single submitter. Criteria: ACMG Guidelines, 2015. Collection method: clinical testing. Allele origin: germline. Inheritance: Autosomal dominant inheritance. Observed: 1 variant allele, 1 heterozygote.
Comment: This synonymous variant causes a nucleotide substitution but does not change the encoded amino acid at codon 1849 of the MYH7 protein. To our knowledge, functional studies have not been reported for this variant. This variant has not been reported in individuals affected with MYH7-related disorders in the literature. This variant has been identified in 2/247358 chromosomes in the general population by the Genome Aggregation Database (gnomAD). The available evidence is insufficient to determine the role of this variant in disease conclusively. Therefore, this variant is classified as a Variant of Uncertain Significance.

This study involves interpretation of variants in research participants for the purpose of population health screening. Participant phenotype was not available at the time of variant classification. Additional details can be found in publication PMID: 35346344, PMCID: PMC8962531

NM_000257.4(MYH7):c.5547G>A (p.Glu1849=)

Gene: MYH7 (myosin heavy chain 7; minus strand). Cytogenetic location: 14q11.2.
Variant type: single nucleotide variant.
Coding change: c.5547G>A on transcript NM_000257.4 (MANE Select); coding-DNA position 5547, G replaced by A.
Protein change: p.Glu1849=; no amino-acid change (glutamic acid 1849 retained).
Molecular consequence: synonymous variant.
Genome position (GRCh38, 1-based): chr14:23,415,007, C>T on the plus strand (G>A on the coding strand, the complement: MYH7 is on the minus strand). VCF-style: chr14-23415007-C-T. GRCh37 (hg19) VCF-style: chr14-23884216-C-T.
Other names: c.5547G>A, p.Glu1849= (NM_001407004.1).
Identifiers: ClinVar variation 3069490 (VCV003069490.1), dbSNP rs1410008788, ClinGen allele CA485765858.